The following is an entry in ClinVar:

NM_001018005.2(TPM1):c.240+4268A>C

Genes: TPM1 (tropomyosin 1; plus strand), TPM1-AS (TPM1 antisense RNA; minus strand), LOC130057222 (ATAC-STARR-seq lymphoblastoid silent region 6507; plus strand). Cytogenetic location: 15q22.2.
Variant type: single nucleotide variant.
Coding change: c.240+4268A>C on transcript NM_001018005.2 (MANE Select); 4268 bases into the intron after coding-DNA position 240, A replaced by C.
Molecular consequence: intron variant. On other transcripts: non-coding transcript variant (1).
Genome position (GRCh38, 1-based): chr15:63,048,420, A>C. VCF-style: chr15-63048420-A-C. GRCh37 (hg19) VCF-style: chr15-63340619-A-C.
Other names: c.366+4268A>C (NM_001365778.1); c.240+4589A>C (NM_001018020.2, NM_001018007.2, NM_001301244.2); c.240+4268A>C (NM_001018006.2, NM_001365776.1, NM_001018004.2 and 3 more transcripts).
Identifiers: ClinVar variation 672965 (VCV000672965.2), dbSNP rs554540382, ClinGen allele CA272022896.

ClinVar aggregate classification (germline): Likely benign. Review status: criteria provided, multiple submitters, no conflicts (2 of 4 stars). 2 submissions from 2 submitters: Likely benign (2). Last evaluated 2018-06-16.

Allele frequency attached by ClinVar (database versions not stated): gnomAD exomes 0.00018; gnomAD 0.00733; TOPMed 0.00918; 1000 Genomes Project 0.00958; 1000 Genomes Project 30x 0.01046.
gnomAD v4.1: 2,165 of 1,355,136 alleles (0.16%); highest among the groups gnomAD compares: African/African-American, 2.7%; 25 homozygotes.

Submissions (2):

GeneDx
Classification: Likely benign. Last evaluated: 2018-06-16. Review status: criteria provided, single submitter. Criteria: GeneDx Variant Classification (06012015). Collection method: clinical testing. Allele origin: germline. Affected: yes.
Comment: This variant is considered likely benign or benign based on one or more of the following criteria: it is a conservative change, it occurs at a poorly conserved position in the protein, it is predicted to be benign by multiple in silico algorithms, and/or has population frequency not consistent with disease.

Blueprint Genetics
Classification: Likely benign. Last evaluated: 2018-04-12. Review status: criteria provided, single submitter. Criteria: ACMG Guidelines, 2015. Collection method: clinical testing. Allele origin: germline.